The following is an entry in ClinVar:

NM_001205293.3(CACNA1E):c.1314G>A (p.Val438=)

Gene: CACNA1E (calcium voltage-gated channel subunit alpha1 E; plus strand). Cytogenetic location: 1q25.3.
Variant type: single nucleotide variant.
Coding change: c.1314G>A on transcript NM_001205293.3 (MANE Select); coding-DNA position 1314, G replaced by A.
Protein change: p.Val438=; no amino-acid change (valine 438 retained).
Molecular consequence: synonymous variant.
Genome position (GRCh38, 1-based): chr1:181,716,128, G>A. VCF-style: chr1-181716128-G-A. GRCh37 (hg19) VCF-style: chr1-181685264-G-A.
Other names: c.1314G>A, p.Val438= (NM_000721.4, NM_001205294.2).
Identifiers: ClinVar variation 3008118 (VCV003008118.3), dbSNP rs1357657963, ClinGen allele CA422070726.
Genomic context (GRCh38, chr1:181,716,128, plus strand): 5'-CCGGACAGAGGCCATGACTCGAGACTCCAGTGATGAGCACTGTGTTGATATCTCCTCTGT[G>A]GGTGAGTGGATCCAGTTAGATCTTTTACTGCTCTGAATCTCCCACGAAAAGGAAGATCCT-3'
Protein context (NP_001192222.1, residues 428-448): SDEHCVDISS[Val438=]GTPLARASIK

ClinVar aggregate classification (germline): Uncertain significance (1 of 4 stars; one submission).

Allele frequency attached by ClinVar (database versions not stated): gnomAD exomes below 0.00001; TOPMed below 0.00001; gnomAD 0.00001.
gnomAD v4.1: 3 of 1,547,710 alleles (0.00019%); highest among the groups gnomAD compares: African/African-American, 0.0041%; no homozygotes.

Submission:

Labcorp Genetics (formerly Invitae), Labcorp
Classification: Uncertain significance. Last evaluated: 2023-10-16. Review status: criteria provided, single submitter. Criteria: Invitae Variant Classification Sherloc (09022015). Collection method: clinical testing. Allele origin: germline.
Comment: This sequence change affects codon 438 of the CACNA1E mRNA. It is a 'silent' change, meaning that it does not change the encoded amino acid sequence of the CACNA1E protein. It affects a nucleotide within the consensus splice site. This variant is not present in population databases (gnomAD no frequency). This variant has not been reported in the literature in individuals affected with CACNA1E-related conditions. Algorithms developed to predict the effect of sequence changes on RNA splicing suggest that this variant is not likely to affect RNA splicing. In summary, the available evidence is currently insufficient to determine the role of this variant in disease. Therefore, it has been classified as a Variant of Uncertain Significance.